The following continues an entry in ClinVar:

NM_000179.3(MSH6):c.107C>T (p.Ala36Val)

Gene: MSH6. ClinVar aggregate classification (germline): Conflicting classifications of pathogenicity. Uncertain significance (7); Benign (2); Likely benign (10).

Submissions 13 to 21 of 21:

Institute for Biomarker Research, Medical Diagnostic Laboratories, L.L.C.
Classification: Uncertain significance for Hereditary cancer-predisposing syndrome. Last evaluated: 2023-02-22. Review status: criteria provided, single submitter. Criteria: ACMG Guidelines, 2015. Collection method: clinical testing. Allele origin: germline.

Laboratory of Molecular Epidemiology of Birth Defects, West China Second University Hospital, Sichuan University
Classification: Benign for Ovarian cancer. Last evaluated: 2022-01-01. Review status: criteria provided, single submitter. Criteria: ACMG Guidelines, 2015. Collection method: clinical testing. Allele origin: germline. Affected: yes.

CHEO Genetics Diagnostic Laboratory, Children's Hospital of Eastern Ontario
Classification: Uncertain significance for Breast and/or ovarian cancer. Last evaluated: 2021-12-29. Review status: criteria provided, single submitter. Criteria: ACMG Guidelines, 2015. Collection method: clinical testing. Allele origin: germline.

Sema4
Classification: Uncertain significance for Hereditary cancer-predisposing syndrome. Last evaluated: 2021-12-18. Review status: criteria provided, single submitter. Criteria: Sema4 Curation Guidelines. Collection method: curation. Allele origin: germline.
Comment: The MSH6 c.107C>T (p.A36V) variant has been reported in heterozygosity in at least two individuals: one with breast cancer and/or ovarian cancer, and another with non-medullary thyroid cancer (PMID: 32068069, 26530882). This variant was observed in 16/19112 chromosomes in the East Asian population, with no homozygotes, according to the Genome Aggregation Database (PMID: 32461654). This variant has been reported in ClinVar (Variation ID: 140779). Functional studies have not been performed, and in silico predictions of the variant's effect on protein function are inconclusive. The evidence is insufficient to meet ACMG/AMP criteria for classifying the variant as benign or pathogenic. Thus, the clinical significance of this variant is currently uncertain.

GeneDx
Classification: Likely benign. Last evaluated: 2021-04-26. Review status: criteria provided, single submitter. Criteria: GeneDx Variant Classification Process June 2021. Collection method: clinical testing. Allele origin: germline. Affected: yes.
Comment: This variant is associated with the following publications: (PMID: 26530882, 23621914, 29616133, 30132833)

Ambry Genetics
Classification: Likely benign for Hereditary cancer-predisposing syndrome. Last evaluated: 2021-02-02. Review status: criteria provided, single submitter. Criteria: Ambry Variant Classification Scheme 2023. Collection method: clinical testing. Allele origin: germline.

Color Diagnostics, LLC DBA Color Health
Classification: Likely benign for Hereditary cancer-predisposing syndrome. Last evaluated: 2020-02-19. Review status: criteria provided, single submitter. Criteria: ACMG Guidelines, 2015. Collection method: clinical testing. Allele origin: germline.

Counsyl
Classification: Uncertain significance for Lynch syndrome 5. Last evaluated: 2016-03-18. Review status: no assertion criteria provided. Collection method: clinical testing. Allele origin: unknown. Not counted in ClinVar's aggregate classification.

Department of Pathology and Laboratory Medicine, Sinai Health System
Classification: Uncertain significance for Endometrial carcinoma. Review status: no assertion criteria provided. Collection method: clinical testing. Allele origin: unknown. Affected: yes. Study: The Canadian Open Genetics Repository (COGR). Not counted in ClinVar's aggregate classification.
Comment: The MSH6 p.Ala36Val variant was identified in the literature however the frequency of this variant in an affected population was not provided (Terui_2013_23621914, Yu_2015_26530882). The variant was also identified in the following databases: dbSNP (ID: rs61756469) as â€šÃ„ÃºWith Uncertain significance alleleâ€šÃ„Ã¹, ClinVar (5x as uncertain significance by Ambry Genetics, GeneDx, Invitae, Counsyl, Color Geomics) and Clinvitae (4x as uncertain significance). The variant was not identified in GeneInsight-COGR, Cosmic, MutDB, UMD-LSDB, Zhejiang Colon Cancer Database, Mismatch Repair Genes Variant Database and Insight Hereditary Tumors Database. The variant was identified in control databases in 36 of 263104 chromosomes at a frequency of 0.00014 increasing the likelihood this could be a low frequency variant (Genome Aggregation Database Feb 27, 2017). Breakdown of the observations by population include European Non-Finnish in 5 of 117454 chromosomes (freq: 0.000043), Ashkenazi Jewish in 1 of 9824 chromosomes (freq: 0.0001), East Asian in 14 of 18328 chromosomes (freq: 0.00076), European Finnish in 8 of 25266 chromosomes (freq: 0.0003), and South Asian in 8 of 30212 chromosomes (freq: 0.00026); while the variant was not observed in the African, â€šÃ„ÃºOtherâ€šÃ„Ã¹ and Latino, populations. The p.Ala36 residue is not conserved in mammals and computational analyses (PolyPhen-2, SIFT, AlignGVGD, BLOSUM, MutationTaster) do not suggest a high likelihood of impact to the protein; however, this information is not predictive enough to rule out pathogenicity. The variant occurs outside of the splicing consensus sequence and in silico or computational prediction software programs (SpliceSiteFinder, MaxEntScan, NNSPLICE, GeneSplicer, HumanSpliceFinder) do not predict a difference in splicing. In summary, based on the above information the clinical significance of this variant cannot be determined with certainty at this time. This variant is classified as a variant of uncertain significance.

Literature cited by the submitters: PubMed 35449176 (cited by Quest Diagnostics Nichols Institute San Juan Capistrano); PubMed 31391288 (cited by Quest Diagnostics Nichols Institute San Juan Capistrano); PubMed 26530882 (cited by 4 submitters); PubMed 23621914 (cited by Women's Health and Genetics/Laboratory Corporation of America, LabCorp); PubMed 29616133 (cited by Women's Health and Genetics/Laboratory Corporation of America, LabCorp); PubMed 31248605 (cited by Women's Health and Genetics/Laboratory Corporation of America, LabCorp); PubMed 27363726 (cited by Myriad Genetics, Inc.); PubMed 32068069 (cited by Sema4); PubMed 30267214 (cited by Ambry Genetics).